The following is an entry in ClinVar:

NM_001013703.4(EIF2AK4):c.2250-232A>G

Gene: EIF2AK4 (eukaryotic translation initiation factor 2 alpha kinase 4; plus strand). Cytogenetic location: 15q15.1.
Variant type: single nucleotide variant.
Coding change: c.2250-232A>G on transcript NM_001013703.4 (MANE Select); 232 bases into the intron before coding-DNA position 2250, A replaced by G.
Molecular consequence: intron variant.
Genome position (GRCh38, 1-based): chr15:39,977,846, A>G. VCF-style: chr15-39977846-A-G. GRCh37 (hg19) VCF-style: chr15-40270047-A-G.
Identifiers: ClinVar variation 678041 (VCV000678041.1), dbSNP rs7173708, ClinGen allele CA268738340.

ClinVar aggregate classification (germline): Benign (1 of 4 stars; one submission).

Allele frequency attached by ClinVar (database versions not stated): TOPMed 0.98938; gnomAD 0.98977 and 0.99050; 1000 Genomes Project 30x 0.98985; 1000 Genomes Project 0.99042.
gnomAD v4.1: 321,203 of 322,864 alleles (99%); highest among the groups gnomAD compares: East Asian, 100%; 159,799 homozygotes.

Submission:

GeneDx
Classification: Benign. Last evaluated: 2018-06-14. Review status: criteria provided, single submitter. Criteria: GeneDx Variant Classification (06012015). Collection method: clinical testing. Allele origin: germline. Affected: yes.
Comment: This variant is considered likely benign or benign based on one or more of the following criteria: it is a conservative change, it occurs at a poorly conserved position in the protein, it is predicted to be benign by multiple in silico algorithms, and/or has population frequency not consistent with disease.